The following is an entry in ClinVar:

NM_024301.5(FKRP):c.467T>C (p.Val156Ala)

Gene: FKRP (fukutin related protein; plus strand). Cytogenetic location: 19q13.32.
Variant type: single nucleotide variant.
Coding change: c.467T>C on transcript NM_024301.5 (MANE Select); coding-DNA position 467, T replaced by C.
Protein change: p.Val156Ala; replaces valine 156 with alanine.
Molecular consequence: missense variant.
Genome position (GRCh38, 1-based): chr19:46,755,917, T>C. VCF-style: chr19-46755917-T-C. GRCh37 (hg19) VCF-style: chr19-47259174-T-C.
Other names: c.467T>C, p.Val156Ala (NM_001039885.3); short protein forms V156A.
Identifiers: ClinVar variation 2581822 (VCV002581822.1), dbSNP rs2513988534, ClinGen allele CA406495385.

ClinVar aggregate classification (germline): Uncertain significance (1 of 4 stars; one submission).

Submission:

GeneDx
Classification: Uncertain significance. Last evaluated: 2023-03-28. Review status: criteria provided, single submitter. Criteria: GeneDx Variant Classification Process June 2021. Collection method: clinical testing. Allele origin: germline. Affected: yes.
Comment: Not observed at significant frequency in large population cohorts (gnomAD); Missense variants in this gene are often considered pathogenic (HGMD); In silico analysis supports that this missense variant does not alter protein structure/function; Has not been previously published as pathogenic or benign to our knowledge